The following is an entry in ClinVar:

Single allele

Genes: GRIN2A (glutamate ionotropic receptor NMDA type subunit 2A; minus strand), LOC130058418 (ATAC-STARR-seq lymphoblastoid active region 10376; plus strand). Cytogenetic location: 16p13.2.
Variant type: Deletion.
Identifiers: ClinVar variation 1696577 (VCV001696577.1).

ClinVar aggregate classification (germline): Likely pathogenic (1 of 4 stars; one submission).

Conditions:
Landau-Kleffner syndrome (FESD). Also called: EPILEPSY, FOCAL, WITH SPEECH DISORDER AND WITH OR WITHOUT MENTAL RETARDATION; APHASIA, ACQUIRED, WITH EPILEPSY. Identifiers: Orphanet 1945, Orphanet 725, Orphanet 98818, MedGen C0282512, MONDO:0009509, OMIM 245570.

Submission:

New York Genome Center
Classification: Likely pathogenic for Landau-Kleffner syndrome. Last evaluated: 2021-08-20. Review status: criteria provided, single submitter. Criteria: NYGC Assertion Criteria 2020. Collection method: clinical testing. Allele origin: inherited. Observed: 1 variant allele. Study: CSER-NYCKidSeq.
Comment: This ~185Kb deletion contains the last 9 protein coding exons (6 through 14) as well as 3'Untranslated Region (3'UTR) of the GRIN2A gene. Approximately 75% of the GRIN2A protein is encoded by these exons (1,090 out of 1,464 amino acid resides; from p.Val375 through stop-codon). The variant is absent from the gnomAD SVs(v2.1) database suggesting it is not a common benign variant in the populations represented in that database. The exact same deletion has not been reported in affected individuals in the literature. However, several partial gene deletions affecting exons 6 to 14 of the GRIN2A gene have been reported in individuals affected with GRIN2A-related disorders [PMID: 30544257, 29655203].